The following is an entry in ClinVar:

ClinVar aggregate classification (germline): Pathogenic. Review status: criteria provided, multiple submitters, no conflicts (2 of 4 stars). 6 submissions from 6 submitters: Pathogenic (6). Last evaluated 2024-12-30.

Conditions:
Neurofibromatosis-Noonan syndrome (NFNS). Also called: NEUROFIBROMATOSIS WITH NOONAN PHENOTYPE. Identifiers: Orphanet 638, MedGen C2931482, MONDO:0011035, OMIM 601321. Disease mechanism: loss of function.
Neurofibromatosis, type 1 (NF1). Also called: Peripheral type neurofibromatosis; VON RECKLINGHAUSEN DISEASE; NEUROFIBROMATOSIS, TYPE I, SOMATIC; Neurofibromatosis, type I. Identifiers: Orphanet 636, MedGen C0027831, MONDO:0018975, OMIM 162200. Disease mechanism: loss of function.

Allele frequency attached by ClinVar (database versions not stated): TOPMed below 0.00001.

Submissions (6):

GeneDx
Classification: Pathogenic. Last evaluated: 2024-12-30. Review status: criteria provided, single submitter. Criteria: GeneDx Variant Classification Process June 2021. Collection method: clinical testing. Allele origin: germline. Affected: yes.
Comment: Canonical splice site variant shown to result in aberrant splicing and skipping of the in-frame exon 13 in RNA from a patient's sample (PMID: 10451518); Not observed at significant frequency in large population cohorts (gnomAD); Deletions involving coding exons of this gene are a known mechanism of disease (HGMD); Also known as IVS10b+1G>A using alternate nomenclature; This variant is associated with the following publications: (PMID: 25525159, 18546366, 10451518, 31868168, Han2024[article])

Labcorp Genetics (formerly Invitae), Labcorp
Classification: Pathogenic for Neurofibromatosis, type 1. Last evaluated: 2024-07-12. Review status: criteria provided, single submitter. Criteria: Invitae Variant Classification Sherloc (09022015). Collection method: clinical testing. Allele origin: germline.
Comment: This sequence change affects a donor splice site in intron 13 of the NF1 gene. RNA analysis indicates that disruption of this splice site induces altered splicing and likely results in a shortened protein product. This variant is not present in population databases (gnomAD no frequency). Disruption of this splice site has been observed in individual(s) with neurofibromatosis type 1 (PMID: 10451518, 18546366, 31868168). ClinVar contains an entry for this variant (Variation ID: 503701). Studies have shown that disruption of this splice site results in skipping of exon10b (exon 13), but is expected to preserve the integrity of the reading-frame (PMID: 10451518, 18546366). For these reasons, this variant has been classified as Pathogenic.

Genome-Nilou Lab
Classification: Pathogenic for Neurofibromatosis, type 1. Last evaluated: 2022-03-15. Review status: criteria provided, single submitter. Criteria: ACMG Guidelines, 2015. Collection method: clinical testing. Allele origin: germline. Affected: no.

Genome Diagnostics Laboratory, The Hospital for Sick Children
Classification: Pathogenic for Neurofibromatosis, type 1. Last evaluated: 2020-10-26. Review status: criteria provided, single submitter. Criteria: ACMG Guidelines, 2015. Collection method: clinical testing. Allele origin: germline. Affected: yes.

Centre for Mendelian Genomics, University Medical Centre Ljubljana
Classification: Pathogenic for Neurofibromatosis, type 1. Last evaluated: 2016-01-01. Review status: criteria provided, single submitter. Criteria: ACMG Guidelines, 2015. Collection method: clinical testing. Allele origin: unknown. Affected: yes.
Comment: This variant was classified as: Pathogenic. The following ACMG criteria were applied in classifying this variant: PVS1,PS1,PM2,PP3.

Suma Genomics
Classification: Pathogenic for Neurofibromatosis-Noonan syndrome. Review status: criteria provided, single submitter. Criteria: ACMG Guidelines, 2015. Collection method: clinical testing. Allele origin: de novo. Inheritance: Autosomal dominant inheritance. Affected: yes.

Literature cited by the submitters: PubMed 10451518 (cited by Labcorp Genetics (formerly Invitae), Labcorp); PubMed 18546366 (cited by Labcorp Genetics (formerly Invitae), Labcorp); PubMed 31868168 (cited by Labcorp Genetics (formerly Invitae), Labcorp).

NM_001042492.3(NF1):c.1527+1G>A

Gene: NF1 (neurofibromin 1; plus strand). Cytogenetic location: 17q11.2.
Variant type: single nucleotide variant.
Coding change: c.1527+1G>A on transcript NM_001042492.3 (MANE Select); the canonical splice donor site of the intron after coding-DNA position 1527, G replaced by A.
Molecular consequence: splice donor variant.
Genome position (GRCh38, 1-based): chr17:31,214,586, G>A. VCF-style: chr17-31214586-G-A. GRCh37 (hg19) VCF-style: chr17-29541604-G-A.
Other names: c.1527+1G>A (NM_000267.4, NM_001128147.3).
Identifiers: ClinVar variation 503701 (VCV000503701.17), dbSNP rs1060500331, ClinGen allele CA399001711.